The following is an entry in ClinVar:

ClinVar aggregate classification (germline): Uncertain significance (1 of 4 stars; one submission).

Submission:

Labcorp Genetics (formerly Invitae), Labcorp
Classification: Uncertain significance. Last evaluated: 2023-11-24. Review status: criteria provided, single submitter. Criteria: Invitae Variant Classification Sherloc (09022015). Collection method: clinical testing. Allele origin: germline.
Comment: This sequence change creates a premature translational stop signal (p.Asp87Glyfs*11) in the C15orf41 gene. It is expected to result in an absent or disrupted protein product. However, the current clinical and genetic evidence is not sufficient to establish whether loss-of-function variants in C15orf41 cause disease. This variant is not present in population databases (gnomAD no frequency). This variant has not been reported in the literature in individuals affected with C15orf41-related conditions. In summary, the available evidence is currently insufficient to determine the role of this variant in disease. Therefore, it has been classified as a Variant of Uncertain Significance.

NM_001321759.2(CDIN1):c.260_263del (p.Asp87fs)

Gene: CDIN1 (CDAN1 interacting nuclease 1; plus strand). Cytogenetic location: 15q14.
Variant type: Deletion.
Coding change: c.260_263del on transcript NM_001321759.2 (MANE Select); coding-DNA positions 260 to 263, 4 bases deleted (ACCT; older notation c.260_263delACCT).
Protein change: p.Asp87fs; shifts the reading frame from aspartic acid 87.
Molecular consequence: frameshift variant. On other transcripts: 5 prime UTR variant (4).
Genome position (GRCh38, 1-based): chr15:36,654,145-36,654,148, ACCT deleted. VCF-style (leftmost placement, unchanged base first): chr15-36654144-GACCT-G. GRCh37 (hg19) VCF-style: chr15-36946345-GACCT-G.
Other names: c.260_263del, p.Asp87fs (NM_001130010.3, NM_001290233.2, NM_001321760.2 and 1 more transcripts); c.-35_-32del (NM_001290232.2, NM_001321756.2, NM_032499.6); c.-144_-141del (NM_001321757.2); c.149_152del, p.Asp50fs (NM_001321758.2); short protein forms D50fs, D87fs.
Identifiers: ClinVar variation 2695994 (VCV002695994.3), dbSNP rs2548116042, ClinGen allele CA2697554318.
Genomic context (GRCh38, chr15:36,654,144, plus strand): 5'-TTTGTCTTGTCTAGGTACCTGAATGGAGTGGTGAAAAATGGAGCTGCCCCAGTGCTCCTG[GACCT>G]GGCCAATGAGGTAATGTTATTGTTATGATTTTATTTAAACCTGCGTGTAACCTAAGGGGC-3'